The following is an entry in ClinVar:

NM_133259.4(LRPPRC):c.1545A>G (p.Glu515=)

Gene: LRPPRC (leucine rich pentatricopeptide repeat containing; minus strand). Cytogenetic location: 2p21.
Variant type: single nucleotide variant.
Coding change: c.1545A>G on transcript NM_133259.4 (MANE Select); coding-DNA position 1545, A replaced by G.
Protein change: p.Glu515=; no amino-acid change (glutamic acid 515 retained).
Molecular consequence: synonymous variant.
Genome position (GRCh38, 1-based): chr2:43,960,578, T>C on the plus strand (A>G on the coding strand, the complement: LRPPRC is on the minus strand). VCF-style: chr2-43960578-T-C. GRCh37 (hg19) VCF-style: chr2-44187717-T-C.
Identifiers: ClinVar variation 752567 (VCV000752567.11), dbSNP rs762413841, ClinGen allele CA1638927.

ClinVar aggregate classification (germline): Conflicting classifications of pathogenicity. Review status: criteria provided, conflicting classifications (1 of 4 stars). 2 submissions from 2 submitters: Uncertain significance (1); Likely benign (1). Last evaluated 2025-11-04.

Allele frequency attached by ClinVar (database versions not stated): gnomAD exomes 0.00001 and 0.00010; gnomAD 0.00002; TOPMed 0.00005; ExAC 0.00007.
gnomAD v4.1: 23 of 1,606,154 alleles (0.0014%); highest among the groups gnomAD compares: East Asian, 0.047%; no homozygotes.

Submissions (2):

Labcorp Genetics (formerly Invitae), Labcorp
Classification: Likely benign. Last evaluated: 2025-11-04. Review status: criteria provided, single submitter. Criteria: Invitae Variant Classification Sherloc (09022015). Collection method: clinical testing. Allele origin: germline.

GeneDx
Classification: Uncertain significance. Last evaluated: 2024-08-26. Review status: criteria provided, single submitter. Criteria: GeneDx Variant Classification Process June 2021. Collection method: clinical testing. Allele origin: germline. Affected: yes.
Comment: In silico analysis indicates that this variant does not alter splicing; Has not been previously published as pathogenic or benign to our knowledge